The following is an entry in ClinVar:

NM_001365999.1(SZT2):c.3670G>C (p.Ala1224Pro)

Gene: SZT2 (SZT2 subunit of KICSTOR complex; plus strand). Cytogenetic location: 1p34.2.
Variant type: single nucleotide variant.
Coding change: c.3670G>C on transcript NM_001365999.1 (MANE Select); coding-DNA position 3670, G replaced by C.
Protein change: p.Ala1224Pro; replaces alanine 1224 with proline.
Molecular consequence: missense variant.
Genome position (GRCh38, 1-based): chr1:43,427,601, G>C. VCF-style: chr1-43427601-G-C. GRCh37 (hg19) VCF-style: chr1-43893272-G-C.
Other names: c.3499G>C, p.Ala1167Pro (NM_015284.4); short protein forms A1167P, A1224P.
Identifiers: ClinVar variation 1054059 (VCV001054059.7), dbSNP rs1653321901, ClinGen allele CA340018798.

ClinVar aggregate classification (germline): Uncertain significance (1 of 4 stars; one submission).

Allele frequency attached by ClinVar (database versions not stated): TOPMed 0.00001.
gnomAD v4.1: 17 of 1,614,234 alleles (0.0011%); highest among the groups gnomAD compares: Non-Finnish European, 0.0014%; no homozygotes.

Submission:

Labcorp Genetics (formerly Invitae), Labcorp
Classification: Uncertain significance. Last evaluated: 2020-08-18. Review status: criteria provided, single submitter. Criteria: Invitae Variant Classification Sherloc (09022015). Collection method: clinical testing. Allele origin: germline.
Comment: In summary, the available evidence is currently insufficient to determine the role of this variant in disease. Therefore, it has been classified as a Variant of Uncertain Significance. Algorithms developed to predict the effect of missense changes on protein structure and function output the following: SIFT: "Tolerated"; PolyPhen-2: "Benign"; Align-GVGD: "Class C0". The proline amino acid residue is found in multiple mammalian species, suggesting that this missense change does not adversely affect protein function. These predictions have not been confirmed by published functional studies and their clinical significance is uncertain. This variant has not been reported in the literature in individuals with SZT2-related conditions. This variant is not present in population databases (ExAC no frequency). This sequence change replaces alanine with proline at codon 1167 of the SZT2 protein (p.Ala1167Pro). The alanine residue is highly conserved and there is a small physicochemical difference between alanine and proline.